The following is an entry in ClinVar:

NM_004380.3(CREBBP):c.6533A>C (p.His2178Pro)

Gene: CREBBP (CREB binding lysine acetyltransferase; minus strand). Cytogenetic location: 16p13.3.
Variant type: single nucleotide variant.
Coding change: c.6533A>C on transcript NM_004380.3 (MANE Select); coding-DNA position 6533, A replaced by C.
Protein change: p.His2178Pro; replaces histidine 2178 with proline.
Molecular consequence: missense variant.
Genome position (GRCh38, 1-based): chr16:3,728,514, T>G on the plus strand (A>C on the coding strand, the complement: CREBBP is on the minus strand). VCF-style: chr16-3728514-T-G. GRCh37 (hg19) VCF-style: chr16-3778515-T-G.
Other names: c.6419A>C, p.His2140Pro (NM_001079846.1); short protein forms H2140P, H2178P.
Identifiers: ClinVar variation 3350180 (VCV003350180.2).

ClinVar aggregate classification (germline): Uncertain significance (1 of 4 stars; one submission).

Conditions:
CREBBP-related disorder. Also called: CREBBP-related disorders; CREBBP-related condition.

gnomAD v4.1: 1 of 1,614,060 alleles (0.000062%); highest among the groups gnomAD compares: Non-Finnish European, 0.000085%; no homozygotes.

Submission:

PreventionGenetics, part of Exact Sciences
Classification: Uncertain significance for CREBBP-related condition. Last evaluated: 2025-02-09. Review status: criteria provided, single submitter. Criteria: ACMG Guidelines, 2015. Collection method: clinical testing. Allele origin: germline.
Comment: The CREBBP c.6533A>C variant is predicted to result in the amino acid substitution p.His2178Pro. To our knowledge, this variant has not been reported in the literature or in a large population database, indicating this variant is rare. At this time, the clinical significance of this variant is uncertain due to the absence of conclusive functional and genetic evidence.